The following is an entry in ClinVar:

NM_000069.3(CACNA1S):c.292T>C (p.Ser98Pro)

Gene: CACNA1S (calcium voltage-gated channel subunit alpha1 S; minus strand). Cytogenetic location: 1q32.1.
Variant type: single nucleotide variant.
Coding change: c.292T>C on transcript NM_000069.3 (MANE Select); coding-DNA position 292, T replaced by C.
Protein change: p.Ser98Pro; replaces serine 98 with proline.
Molecular consequence: missense variant.
Genome position (GRCh38, 1-based): chr1:201,093,988, A>G on the plus strand (T>C on the coding strand, the complement: CACNA1S is on the minus strand). VCF-style: chr1-201093988-A-G. GRCh37 (hg19) VCF-style: chr1-201063116-A-G.
Other names: short protein forms S98P.
Identifiers: ClinVar variation 3073939 (VCV003073939.1), dbSNP rs1196937008, ClinGen allele CA344145735.
Genomic context (GRCh38, chr1:201,093,988, plus strand): 5'-GGTAAGCGTCCTGGTGGAATAAGAAGCCGTAGGCAATGATCTTCATGGCGGCTTCAATCG[A>G]GAAGACAATGAGGAAGAAATACTCCAGCTTCTCCTGTGGGAGCAAACGTGGTCACAGCAT-3'
Protein context (NP_000060.2, residues 88-108): KLEYFFLIVF[Ser98Pro]IEAAMKIIAY

ClinVar aggregate classification (germline): Uncertain significance (1 of 4 stars; one submission).

Conditions:
Malignant hyperthermia, susceptibility to, 5 (MHS5). Also called: CACNA1S-Related Malignant Hyperthermia Susceptibility. Identifiers: Orphanet 423, MedGen C1866077, MONDO:0011163, OMIM 601887.

Submission:

All of Us Research Program, National Institutes of Health
Classification: Uncertain significance for Malignant hyperthermia, susceptibility to, 5. Last evaluated: 2023-11-30. Review status: criteria provided, single submitter. Criteria: ACMG Guidelines, 2015. Collection method: clinical testing. Allele origin: germline. Inheritance: Autosomal dominant inheritance. Observed: 1 variant allele, 1 heterozygote.
Comment: This study involves interpretation of variants in research participants for the purpose of population health screening. Participant phenotype was not available at the time of variant classification. Additional details can be found in publication PMID: 35346344, PMCID: PMC8962531